The following is an entry in ClinVar:

ClinVar aggregate classification (germline): Uncertain significance. Review status: criteria provided, multiple submitters, no conflicts (2 of 4 stars). 2 submissions from 2 submitters: Uncertain significance (2). Last evaluated 2022-10-03.

Conditions:
Multiple gastrointestinal atresias. Also called: FAMILIAL INTESTINAL POLYATRESIA SYNDROME; Multiple intestinal atresia. Identifiers: Orphanet 2300, MedGen C0220744, MONDO:0009465.

Allele frequency attached by ClinVar (database versions not stated): ExAC 0.00001; gnomAD exomes 0.00002 and 0.00006; gnomAD 0.00003; TOPMed 0.00004; ESP Exome Variant Server 0.00015.
gnomAD v4.1: 91 of 1,609,904 alleles (0.0057%); highest among the groups gnomAD compares: Non-Finnish European, 0.007%; no homozygotes.

Submissions (2):

Labcorp Genetics (formerly Invitae), Labcorp
Classification: Uncertain significance for Multiple gastrointestinal atresias. Last evaluated: 2022-10-03. Review status: criteria provided, single submitter. Criteria: Invitae Variant Classification Sherloc (09022015). Collection method: clinical testing. Allele origin: germline.
Comment: This sequence change replaces alanine, which is neutral and non-polar, with valine, which is neutral and non-polar, at codon 455 of the TTC7A protein (p.Ala455Val). The frequency data for this variant in the population databases is considered unreliable, as metrics indicate poor data quality at this position in the gnomAD database. This variant has not been reported in the literature in individuals affected with TTC7A-related conditions. ClinVar contains an entry for this variant (Variation ID: 654925). Advanced modeling of protein sequence and biophysical properties (such as structural, functional, and spatial information, amino acid conservation, physicochemical variation, residue mobility, and thermodynamic stability) has been performed at Invitae for this missense variant, however the output from this modeling did not meet the statistical confidence thresholds required to predict the impact of this variant on TTC7A protein function. In summary, the available evidence is currently insufficient to determine the role of this variant in disease. Therefore, it has been classified as a Variant of Uncertain Significance.

Neuberg Centre For Genomic Medicine, NCGM
Classification: Uncertain significance for Gastrointestinal defects and immunodeficiency syndrome 1. Review status: criteria provided, single submitter. Criteria: ACMG Guidelines, 2015. Collection method: clinical testing. Allele origin: germline. Affected: yes.
Comment: The missense variant p.A455V in TTC7A (NM_020458.4) has been submitted to ClinVar as a Variant of Uncertain Significance.The variant has not been reported in literature in affected individuals. The p.A455V variant is observed in 5/1,13,152 (0.0044%) alleles from individuals of European (Non-Finnish) background in gnomAD Exomes and is novel (not in any individuals) in 1000 Genomes. In silico tools are contradictory in their predictions (SIFT-tolerated, Polyphen-Damaging) and the residue is conserved across species. For these reasons, this variant has been classified as Uncertain Significance.

NM_020458.4(TTC7A):c.1364C>T (p.Ala455Val)

Gene: TTC7A (tetratricopeptide repeat domain 7A; plus strand). Cytogenetic location: 2p21.
Variant type: single nucleotide variant.
Coding change: c.1364C>T on transcript NM_020458.4 (MANE Select); coding-DNA position 1364, C replaced by T.
Protein change: p.Ala455Val; replaces alanine 455 with valine.
Molecular consequence: missense variant.
Genome position (GRCh38, 1-based): chr2:47,011,407, C>T. VCF-style: chr2-47011407-C-T. GRCh37 (hg19) VCF-style: chr2-47238546-C-T.
Other names: c.1364C>T, p.Ala455Val (LRG_1323t1, NM_001288951.2); c.1262C>T, p.Ala421Val (NM_001288953.2); c.302C>T, p.Ala101Val (NM_001288955.2); short protein forms A101V, A421V, A455V.
Identifiers: ClinVar variation 654925 (VCV000654925.8), dbSNP rs201913059, ClinGen allele CA1647630.
Genomic context (GRCh38, chr2:47,011,407, plus strand): 5'-CCCTGCTGCGGGAGTGTGTGAAGTTGCGGCCCTCGGACCCCACCGTGCCCCTGATGGCCG[C>T]GAAGGTCTGCATCGGGTCCCTTCGCTGGGTGAGTGAGCTGTGAGGGCAGGTCCCAGAGGC-3'
Protein context (NP_065191.2, residues 445-465): PSDPTVPLMA[Ala455Val]KVCIGSLRWL